The following is an entry in ClinVar:

NM_001368894.2(PAX6):c.1004C>G (p.Ala335Gly)

Gene: PAX6 (paired box 6; minus strand). Cytogenetic location: 11p13.
Variant type: single nucleotide variant.
Coding change: c.1004C>G on transcript NM_001368894.2 (MANE Select); coding-DNA position 1004, C replaced by G.
Protein change: p.Ala335Gly; replaces alanine 335 with glycine.
Molecular consequence: missense variant. On other transcripts: non-coding transcript variant (2).
Genome position (GRCh38, 1-based): chr11:31,793,508, G>C on the plus strand (C>G on the coding strand, the complement: PAX6 is on the minus strand). VCF-style: chr11-31793508-G-C. GRCh37 (hg19) VCF-style: chr11-31815056-G-C.
Other names: c.962C>G, p.Ala321Gly (NM_000280.6, NM_001127612.3, NM_001258464.2 and 10 more transcripts); c.1004C>G, p.Ala335Gly (NM_001258462.3, NM_001258463.2, NM_001310158.2 and 6 more transcripts); c.554C>G, p.Ala185Gly (NM_001310160.2, NM_001310161.3, NM_001368899.2 and 11 more transcripts); c.1205C>G, p.Ala402Gly (NM_001368910.2); c.1007C>G, p.Ala336Gly (NM_001368911.2); c.1079C>G, p.Ala360Gly (NM_001368918.2, NM_001368919.2); c.1037C>G, p.Ala346Gly (NM_001368920.2); c.803C>G, p.Ala268Gly (NM_001368921.2, NM_001368922.2, NM_001368923.2 and 4 more transcripts); and 2 more; short protein forms A120G, A185G, A254G, A268G, A321G, A335G, A336G, A346G.
Identifiers: ClinVar variation 3760602 (VCV003760602.2).

ClinVar aggregate classification (germline): Uncertain significance (1 of 4 stars; one submission).

Conditions:
Aniridia 1 (AN1). Identifiers: Orphanet 250923, MedGen C0344542, MONDO:0024507, OMIM 106210.
Irido-corneo-trabecular dysgenesis (ASGD5). Also called: ANTERIOR SEGMENT DYSGENESIS 5. Identifiers: Orphanet 708, MedGen C0344559, MONDO:0011414, OMIM 604229, HP:0000659.

gnomAD v4.1: 23 of 1,614,222 alleles (0.0014%); highest among the groups gnomAD compares: South Asian, 0.024%; no homozygotes.

Submission:

Labcorp Genetics (formerly Invitae), Labcorp
Classification: Uncertain significance for Aniridia 1; Irido-corneo-trabecular dysgenesis. Last evaluated: 2025-01-07. Review status: criteria provided, single submitter. Criteria: Invitae Variant Classification Sherloc (09022015). Collection method: clinical testing. Allele origin: germline.
Comment: This sequence change replaces alanine, which is neutral and non-polar, with glycine, which is neutral and non-polar, at codon 321 of the PAX6 protein (p.Ala321Gly). This variant is present in population databases (rs773515612, gnomAD 0.02%). This variant has not been reported in the literature in individuals affected with PAX6-related conditions. Invitae Evidence Modeling of protein sequence and biophysical properties (such as structural, functional, and spatial information, amino acid conservation, physicochemical variation, residue mobility, and thermodynamic stability) indicates that this missense variant is not expected to disrupt PAX6 protein function with a negative predictive value of 80%. In summary, the available evidence is currently insufficient to determine the role of this variant in disease. Therefore, it has been classified as a Variant of Uncertain Significance.